The following is an entry in ClinVar:

NM_003355.3(UCP2):c.808T>C (p.Tyr270His)

Gene: UCP2 (uncoupling protein 2; minus strand). Cytogenetic location: 11q13.4.
Variant type: single nucleotide variant.
Coding change: c.808T>C on transcript NM_003355.3 (MANE Select); coding-DNA position 808, T replaced by C.
Protein change: p.Tyr270His; replaces tyrosine 270 with histidine.
Molecular consequence: missense variant.
Genome position (GRCh38, 1-based): chr11:73,975,498, A>G on the plus strand (T>C on the coding strand, the complement: UCP2 is on the minus strand). VCF-style: chr11-73975498-A-G. GRCh37 (hg19) VCF-style: chr11-73686543-A-G.
Other names: c.808T>C, p.Tyr270His (NM_001381943.1, NM_001381944.1, NM_001381945.1 and 2 more transcripts); c.706T>C, p.Tyr236His (NM_001381949.1); c.613T>C, p.Tyr205His (NM_001381950.1); short protein forms Y205H, Y270H, Y236H.
Identifiers: ClinVar variation 2593027 (VCV002593027.3), dbSNP rs750166646, ClinGen allele CA6181027.

ClinVar aggregate classification (germline): Uncertain significance. Review status: criteria provided, multiple submitters, no conflicts (2 of 4 stars). 2 submissions from 2 submitters: Uncertain significance (2). Last evaluated 2025-08-26.

Allele frequency attached by ClinVar (database versions not stated): gnomAD 0.00003; gnomAD exomes 0.00003; ExAC 0.00009; TOPMed 0.00009.
gnomAD v4.1: 50 of 1,609,794 alleles (0.0031%); highest among the groups gnomAD compares: East Asian, 0.045%; no homozygotes.

Submissions (2):

Labcorp Genetics (formerly Invitae), Labcorp
Classification: Uncertain significance. Last evaluated: 2025-08-26. Review status: criteria provided, single submitter. Criteria: Invitae Variant Classification Sherloc (09022015). Collection method: clinical testing. Allele origin: germline.
Comment: This sequence change replaces tyrosine, which is neutral and polar, with histidine, which is basic and polar, at codon 270 of the UCP2 protein (p.Tyr270His). This variant is present in population databases (rs750166646, gnomAD 0.1%), and has an allele count higher than expected for a pathogenic variant. This variant has not been reported in the literature in individuals affected with UCP2-related conditions. ClinVar contains an entry for this variant (Variation ID: 2593027). An algorithm developed to predict the effect of missense changes on protein structure and function (PolyPhen-2) suggests that this variant is likely to be disruptive. In summary, the available evidence is currently insufficient to determine the role of this variant in disease. Therefore, it has been classified as a Variant of Uncertain Significance.

Ambry Genetics
Classification: Uncertain significance. Last evaluated: 2023-07-12. Review status: criteria provided, single submitter. Criteria: Ambry Variant Classification Scheme 2023. Collection method: clinical testing. Allele origin: germline.